The following is an entry in ClinVar:

ClinVar aggregate classification (germline): Uncertain significance (1 of 4 stars; one submission).

Submission:

Women's Health and Genetics/Laboratory Corporation of America, LabCorp
Classification: Uncertain significance. Last evaluated: 2023-08-29. Review status: criteria provided, single submitter. Criteria: LabCorp Variant Classification Summary - May 2015. Collection method: clinical testing. Allele origin: germline.
Comment: Variant summary: AHDC1 c.4142C>T (p.Pro1381Leu) results in a non-conservative amino acid change in the encoded protein sequence. Four of five in-silico tools predict a damaging effect of the variant on protein function. The variant was absent in 247538 control chromosomes (gnomAD). The available data on variant occurrences in the general population are insufficient to allow any conclusion about variant significance. To our knowledge, no occurrence of c.4142C>T in individuals affected with Xia-Gibbs Syndrome and no experimental evidence demonstrating its impact on protein function have been reported. No submitters have reported clinical-significance assessments for this variant to ClinVar after 2014. Based on the evidence outlined above, the variant was classified as uncertain significance.

NM_001371928.1(AHDC1):c.4142C>T (p.Pro1381Leu)

Gene: AHDC1 (AT-hook DNA binding motif containing 1; minus strand). Cytogenetic location: 1p36.11.
Variant type: single nucleotide variant.
Coding change: c.4142C>T on transcript NM_001371928.1 (MANE Select); coding-DNA position 4142, C replaced by T.
Protein change: p.Pro1381Leu; replaces proline 1381 with leucine.
Molecular consequence: missense variant.
Genome position (GRCh38, 1-based): chr1:27,547,974, G>A on the plus strand (C>T on the coding strand, the complement: AHDC1 is on the minus strand). VCF-style: chr1-27547974-G-A. GRCh37 (hg19) VCF-style: chr1-27874485-G-A.
Other names: c.4142C>T, p.Pro1381Leu (NM_001029882.3); c.98C>T, p.Pro33Leu (NM_015699.1); short protein forms P1381L, P33L.
Identifiers: ClinVar variation 2581428 (VCV002581428.1), dbSNP rs2521818713, ClinGen allele CA339223551.